The following is an entry in ClinVar:

ClinVar aggregate classification (germline): Uncertain significance (1 of 4 stars; one submission).

gnomAD v4.1: 1 of 1,612,496 alleles (0.000062%); highest among the groups gnomAD compares: Admixed American, 0.0017%; no homozygotes.

Submission:

GeneDx
Classification: Uncertain significance. Last evaluated: 2024-09-11. Review status: criteria provided, single submitter. Criteria: GeneDx Variant Classification Process June 2021. Collection method: clinical testing. Allele origin: germline. Affected: yes.
Comment: Not observed at significant frequency in large population cohorts (gnomAD); In silico analysis supports that this missense variant has a deleterious effect on protein structure/function; Has not been previously published as pathogenic or benign to our knowledge

NM_001145809.2(MYH14):c.4458G>T (p.Glu1486Asp)

Gene: MYH14 (myosin heavy chain 14; plus strand). Cytogenetic location: 19q13.33.
Variant type: single nucleotide variant.
Coding change: c.4458G>T on transcript NM_001145809.2 (MANE Select); coding-DNA position 4458, G replaced by T.
Protein change: p.Glu1486Asp; replaces glutamic acid 1486 with aspartic acid.
Molecular consequence: missense variant.
Genome position (GRCh38, 1-based): chr19:50,281,761, G>T. VCF-style: chr19-50281761-G-T. GRCh37 (hg19) VCF-style: chr19-50785018-G-T.
Other names: c.4359G>T, p.Glu1453Asp (NM_001077186.2); c.4335G>T, p.Glu1445Asp (NM_024729.4); short protein forms E1445D, E1453D, E1486D.
Identifiers: ClinVar variation 3769992 (VCV003769992.1).